The following is an entry in ClinVar:

ClinVar aggregate classification (germline): Uncertain significance (1 of 4 stars; one submission).

Conditions:
Epileptic encephalopathy. Identifiers: MedGen C0543888, HP:0200134.

Allele frequency attached by ClinVar (database versions not stated): TOPMed 0.00002; gnomAD exomes 0.00003; 1000 Genomes Project 0.00040; 1000 Genomes Project 30x 0.00047; ESP Exome Variant Server 0.00008; ExAC 0.00009; gnomAD 0.00009.
gnomAD v4.1: 63 of 1,609,046 alleles (0.0039%); highest among the groups gnomAD compares: South Asian, 0.039%; no homozygotes.

Submission:

Labcorp Genetics (formerly Invitae), Labcorp
Classification: Uncertain significance for Epileptic encephalopathy. Last evaluated: 2024-10-24. Review status: criteria provided, single submitter. Criteria: Invitae Variant Classification Sherloc (09022015). Collection method: clinical testing. Allele origin: germline.
Comment: This sequence change replaces alanine, which is neutral and non-polar, with threonine, which is neutral and polar, at codon 590 of the FASN protein (p.Ala590Thr). This variant is present in population databases (rs376743967, gnomAD 0.03%). This variant has not been reported in the literature in individuals affected with FASN-related conditions. An algorithm developed to predict the effect of missense changes on protein structure and function (PolyPhen-2) suggests that this variant is likely to be disruptive. In summary, the available evidence is currently insufficient to determine the role of this variant in disease. Therefore, it has been classified as a Variant of Uncertain Significance.

NM_004104.5(FASN):c.1768G>A (p.Ala590Thr)

Gene: FASN (fatty acid synthase; minus strand). Cytogenetic location: 17q25.3.
Variant type: single nucleotide variant.
Coding change: c.1768G>A on transcript NM_004104.5 (MANE Select); coding-DNA position 1768, G replaced by A.
Protein change: p.Ala590Thr; replaces alanine 590 with threonine.
Molecular consequence: missense variant.
Genome position (GRCh38, 1-based): chr17:82,090,477, C>T on the plus strand (G>A on the coding strand, the complement: FASN is on the minus strand). VCF-style: chr17-82090477-C-T. GRCh37 (hg19) VCF-style: chr17-80048353-C-T.
Other names: short protein forms A590T.
Identifiers: ClinVar variation 2730055 (VCV002730055.3), dbSNP rs376743967, ClinGen allele CA8853033.